The following continues an entry in ClinVar:

NM_024312.5(GNPTAB):c.3503_3504del (p.Leu1168fs)

Gene: GNPTAB. ClinVar aggregate classification (germline): Pathogenic. Pathogenic (36).

Submissions 15 to 28 of 43:

Fulgent Genetics
Classification: Pathogenic for Mucolipidosis type II; Pseudo-Hurler polydystrophy. Last evaluated: 2024-04-28. Review status: criteria provided, single submitter. Criteria: ACMG Guidelines, 2015. Collection method: clinical testing. Allele origin: germline.

Mayo Clinic Laboratories, Mayo Clinic
Classification: Pathogenic. Last evaluated: 2024-04-23. Review status: criteria provided, single submitter. Criteria: ACMG Guidelines, 2015. Collection method: clinical testing. Allele origin: germline. Observed: 2 variant alleles.
Comment: PM2_moderate, PS3, PVS1

Clinical Genetics Laboratory, Skane University Hospital Lund
Classification: Pathogenic. Last evaluated: 2022-11-14. Review status: criteria provided, single submitter. Criteria: ACMG Guidelines, 2015. Collection method: clinical testing. Allele origin: germline. Affected: yes.

Laboratorio de Genetica e Diagnostico Molecular, Hospital Israelita Albert Einstein
Classification: Pathogenic for Mucolipidosis type II. Last evaluated: 2022-08-05. Review status: criteria provided, single submitter. Criteria: ACMG Guidelines, 2015. Collection method: clinical testing. Allele origin: germline. Affected: yes. Observed: 1 variant allele.
Comment: ACMG classification criteria: PVS1 very strong, PS4 strong, PM3 moderated

Foundation for Research in Genetics and Endocrinology, FRIGE's Institute of Human Genetics
Classification: Pathogenic for Mucolipidosis type II. Last evaluated: 2022-08-04. Review status: criteria provided, single submitter. Criteria: ACMG Guidelines, 2015. Collection method: clinical testing. Allele origin: germline. Inheritance: Autosomal recessive inheritance. Affected: yes. Observed: 1 homozygote.
Comment: A homozygous single base pair deletion in exon 22 of the GNTPAB gene that results in a frameshift and premature truncation of the protein 5 amino acids downstream to codon 1168, (p.Leu1168Glnfs*5 ;ENST00000299314.12) was detected. This variant has not been reported in the 1000 genomes and gnomAD databases and has a minor allele frequency of 0.001% in our internal database. The in silico prediction of the variant is damaging MutationTaster2. The reference region is conserved across species. In summary, the variant meets our criteria to be classified as pathogenic

GeneDx
Classification: Pathogenic. Last evaluated: 2022-04-25. Review status: criteria provided, single submitter. Criteria: GeneDx Variant Classification Process June 2021. Collection method: clinical testing. Allele origin: germline. Affected: yes.
Comment: Frameshift variant predicted to result in protein truncation or nonsense mediated decay in a gene for which loss-of-function is a known mechanism of disease; This variant is associated with the following publications: (PMID: 25788519, 16465621, 18190596, 21228398, 25606425, 20880125, 24375680, 27710913, 27785713, 28918368, 29289611, 23566849, 16630736, 24685522, 19659762, 25107912, 30209781, 30548430, 29620724, 29704188, 30105123, 22570975, 31038846, 19617216, 31618753, 32651481, 32036093, 34426522, 33594065, 31589614, 33083013, 32981126, 31758855, 33854947)

Ambry Genetics
Classification: Pathogenic for Inborn genetic diseases. Last evaluated: 2021-12-15. Review status: criteria provided, single submitter. Criteria: Ambry Variant Classification Scheme 2023. Collection method: clinical testing. Allele origin: germline.
Comment: The c.3503_3504delTC (p.L1168Qfs*5) alteration, located in exon 19 (coding exon 19) of the GNPTAB gene, consists of a deletion of 2 nucleotides from position 3503 to 3504, causing a translational frameshift with a predicted alternate stop codon after 5 amino acids. This alteration is expected to result in loss of function by premature protein truncation or nonsense-mediated mRNA decay. Based on data from gnomAD, this alteration has an overall frequency of 0.05% (139/282744) total alleles studied. The highest observed frequency was 0.08% (23/30614) of South Asian alleles. This common disease-causing alteration (referred to as FS1172X in some publications) is well described in the literature and has been reported in the homozygous and compound heterozygous states in many individuals with GNTAB-related disorders (Alegra, 2014; Coutinho, 2011; Kudo, 2006). Functional studies showed that this alteration results in a loss of GlcNAc-1-phosphotransferase activity (Kudo, 2006; Velho, 2015). Based on the available evidence, this alteration is classified as pathogenic.

Laboratory of Medical Genetics, National & Kapodistrian University of Athens
Classification: Pathogenic for Mucolipidosis type II. Last evaluated: 2021-10-06. Review status: criteria provided, single submitter. Criteria: ACMG Guidelines, 2015. Collection method: clinical testing. Allele origin: unknown.
Comment: PVS1, PM2, PP3, PP5

Department of Pathology and Laboratory Medicine, Sinai Health System
Classification: Pathogenic for Mucolipidosis type II; Pseudo-Hurler polydystrophy. Last evaluated: 2021-07-30. Review status: criteria provided, single submitter. Criteria: ACMG Guidelines, 2015. Collection method: research. Allele origin: germline.

Genome-Nilou Lab
Classification: Pathogenic for Mucolipidosis type II. Last evaluated: 2021-05-18. Review status: criteria provided, single submitter. Criteria: ACMG Guidelines, 2015. Collection method: clinical testing. Allele origin: germline. Affected: no.

Breakthrough Genomics
Classification: Pathogenic for Mucolipidosis type II. Last evaluated: 2020-01-02. Review status: criteria provided, single submitter. Criteria: ACMG Guidelines, 2015. Collection method: clinical testing. Allele origin: germline. Affected: yes.
Comment: This variant has been previously reported as most frequently found pathogenic mutation in individuals affected with mucolipidosis II and III alpha/beta. The variant is located at the region that codes for the β subunit of phosphotransferase, has been associated with the severe phenotype when found in homozygosity or when found in heterozygosity with nonsense mutations or frameshift mutations [PMID: 23566849, 18190596].

Myriad Genetics, Inc.
Classification: Pathogenic for Pseudo-Hurler polydystrophy. Last evaluated: 2019-12-24. Review status: criteria provided, single submitter. Criteria: Myriad Women's Health Autosomal Recessive and X-Linked Classification Criteria (2019). Collection method: clinical testing. Allele origin: unknown.
Comment: NM_024312.4(GNPTAB):c.3503_3504delTC(L1168Qfs*5) is classified as pathogenic in the context of GNPTAB-related disorders. Sources cited for classification include the following: PMID 24375680, 16465621, 20880125 and 21228398. Classification of NM_024312.4(GNPTAB):c.3503_3504delTC(L1168Qfs*5) is based on the following criteria: The variant causes a premature termination codon that is expected to be targeted by nonsense-mediated mRNA decay and is reported in individuals with the relevant phenotype. Please note: this variant was assessed in the context of healthy population screening.â€šÃ„Ã¶âˆšÃ‘âˆšÂ£

Geisinger Autism and Developmental Medicine Institute, Geisinger Health System
Classification: Pathogenic for Mucolipidosis type II; Pseudo-Hurler polydystrophy. Last evaluated: 2017-04-27. Review status: criteria provided, single submitter. Criteria: ACMG Guidelines, 2015. Collection method: provider interpretation, clinical testing. Allele origin: paternal. Affected: no. Observed: 1 variant allele.
Comment: This variant has been reported in association with mucolipidosis II, which is inherited in an autosomal recessive fashion. Because this patient lacks the majority of the features of ML II, clinical correlation is felt to be very poor. This indicates likely carrier status.

Illumina Laboratory Services, Illumina
Classification: Pathogenic for GNPTAB-Related Disorders. Last evaluated: 2017-04-27. Review status: criteria provided, single submitter. Criteria: ICSL Variant Classification Criteria 09 May 2019. Collection method: clinical testing. Allele origin: germline.
Comment: The GNPTAB c.3503_3504delTC (p.Leu1168GlnfsTer5) variant results in a frameshift, and is therefore predicted to result in premature termination of the protein. The variant is well described in the literature and is the most common pathogenic variant for for GNPTAB-related disorders in several populations, usually associated with a severe phenotype. Across a selection of the available literature the p.Leu1168GlnfsTer5 variant has been identified in a total of 100 patients with GNPTAB-related disorders, including 51 in a homozygous state, 47 in a compound heterozygous state, and two in a heterozygous state (Kudi et al. 2006; Bargal et al. 2006; Encarnacao et al. 2009; Cathey et al. 2010; Coutinho et al. 2011; Cury et al. 2013; Aggarwal et al. 2014). The variant has also been found in a heterozygous state in at least 22 healthy individuals (Kudo et al. 2006; Coutinho et al. 2011). Coutinho et al. (2011) demonstrated the high frequency of the variant was due to a founder effect. Plante et al. (2008) identified the variant in 27/27 obligate carriers from the Saguenay-Lac-Saint-Jean region of Quebec, which has the highest carrier rate of mucolipidosis type II in the world at 1/39, and demonstrated that this was also due to a founder effect. The variant was absent from 95 control individuals in the above studies but is reported at a frequency of 0.00085 in the South Asian population of the Exome Aggregation Consortium. Functional studies demonstrated that the variant does produce a truncated protein that is retained in the ER and not transported to the Golgi, and therefore does not form a mature subunit (De Pace et al. 2014). The p.Leu1168GlnfsTer5 variant has also been shown to result in absent or significantly decreased enzyme activity in patient fibroblasts (Kudo et al. 2006; Encarnacao et al. 2009; Velho et al. 2015). Due to the potential impact of frameshift variants and the collective evidence from the literature, the p.Leu1168GlnfsTer5 variant is classified as pathogenic for GNPTAB-related disorders. This variant was observed by ICSL as part of a predisposition screen in an ostensibly healthy population.